The following is an entry in ClinVar:

NM_201384.3(PLEC):c.5787G>A (p.Ala1929=)

Gene: PLEC (plectin; minus strand). Cytogenetic location: 8q24.3.
Variant type: single nucleotide variant.
Coding change: c.5787G>A on transcript NM_201384.3 (MANE Select); coding-DNA position 5787, G replaced by A.
Protein change: p.Ala1929=; no amino-acid change (alanine 1929 retained).
Molecular consequence: synonymous variant.
Genome position (GRCh38, 1-based): chr8:143,924,142, C>T on the plus strand (G>A on the coding strand, the complement: PLEC is on the minus strand). VCF-style: chr8-143924142-C-T. GRCh37 (hg19) VCF-style: chr8-144998310-C-T.
Other names: c.5868G>A, p.Ala1956= (NM_000445.5); c.5745G>A, p.Ala1915= (NM_201378.4); c.5721G>A, p.Ala1907= (NM_201379.3); c.6198G>A, p.Ala2066= (NM_201380.4); c.5691G>A, p.Ala1897= (NM_201381.3); c.5787G>A, p.Ala1929= (NM_201382.4); c.5799G>A, p.Ala1933= (NM_201383.3).
Identifiers: ClinVar variation 283951 (VCV000283951.14), dbSNP rs368886943, ClinGen allele CA4926238.
Genomic context (GRCh38, chr8:143,924,142, plus strand): 5'-TCCCAGCTCCAGCTCCAGCTCCGCCTTGCCAGCGGCCGCCTTCTCGAAGCTCGCCTTCAG[C>T]GCCAGGATCTCCTCCTCCACCTGCCGCCGCTGCCTCAGCGTGTCCTCCACCAGCCCCTTC-3'
Protein context (NP_958786.1, residues 1919-1939): QRRQVEEEIL[Ala1929=]LKASFEKAAA

ClinVar aggregate classification (germline): Conflicting classifications of pathogenicity. Review status: criteria provided, conflicting classifications (1 of 4 stars). 3 submissions from 3 submitters: Uncertain significance (1); Likely benign (2). Last evaluated 2026-03-24.

Conditions:
PLEC-related disorder. Also called: PLEC-related condition; PLEC-related disorders.
Epidermolysis bullosa simplex 5C, with pyloric atresia (EBS5C). Also called: PLEC-Related Epidermolysis Bullosa with Pyloric Atresia; Epidermolysis bullosa simplex with pyloric atresia; PLEC1-Related Epidermolysis Bullosa with Pyloric Atresia. Identifiers: Orphanet 158684, MedGen C2677349, MONDO:0012807, OMIM 612138.
Epidermolysis bullosa simplex with nail dystrophy (EBS5D). Identifiers: MedGen C4225309, MONDO:0014661, OMIM 616487.
Autosomal recessive limb-girdle muscular dystrophy type 2Q (LGMDR17). Also called: MUSCULAR DYSTROPHY, LIMB-GIRDLE, AUTOSOMAL RECESSIVE 17. Identifiers: Orphanet 254361, MedGen C3150989, MONDO:0013390, OMIM 613723.
Epidermolysis bullosa simplex, Ogna type (EBS5A). Also called: Pidermolysis bullosa simplex 5A, Ogna type; EPIDERMOLYSIS BULLOSA SIMPLEX 5A, OGNA TYPE. Identifiers: Orphanet 79401, MedGen C0432317, MONDO:0007555, OMIM 131950.
Epidermolysis bullosa simplex 5B, with muscular dystrophy (EBS5B). Also called: EPIDERMOLYSIS BULLOSA SIMPLEX AND LIMB-GIRDLE MUSCULAR DYSTROPHY; Epidermolysis bullosa simplex with muscular dystrophy. Identifiers: Orphanet 257, MedGen C2931072, MONDO:0009181, OMIM 226670.

Allele frequency attached by ClinVar (database versions not stated): gnomAD exomes 0.00005 and 0.00007; ExAC 0.00008; gnomAD 0.00011; 1000 Genomes Project 30x 0.00016; ESP Exome Variant Server 0.00016; TOPMed 0.00017; 1000 Genomes Project 0.00020.

Submissions (3):

PreventionGenetics, part of Exact Sciences
Classification: Likely benign for PLEC-related condition. Last evaluated: 2026-03-24. Review status: criteria provided, single submitter. Criteria: ACMG Guidelines, 2015. Collection method: clinical testing. Allele origin: germline.
Comment: This variant is classified as likely benign based on ACMG/AMP sequence variant interpretation guidelines (Richards et al. 2015 PMID: 25741868, with internal and published modifications).

Labcorp Genetics (formerly Invitae), Labcorp
Classification: Likely benign for Autosomal recessive limb-girdle muscular dystrophy type 2Q; Epidermolysis bullosa simplex, Ogna type; Epidermolysis bullosa simplex with nail dystrophy; Epidermolysis bullosa simplex 5C, with pyloric atresia; Epidermolysis bullosa simplex 5B, with muscular dystrophy. Last evaluated: 2025-10-26. Review status: criteria provided, single submitter. Criteria: Invitae Variant Classification Sherloc (09022015). Collection method: clinical testing. Allele origin: germline.

Eurofins Ntd Llc (ga)
Classification: Uncertain significance. Last evaluated: 2015-10-06. Review status: criteria provided, single submitter. Criteria: EGL Classification Definitions 2015. Collection method: clinical testing. Allele origin: germline. Observed: 1 variant allele, 1 heterozygote.